The following is an entry in ClinVar:

ClinVar aggregate classification (germline): Uncertain significance (1 of 4 stars; one submission).

Conditions:
Asphyxiating thoracic dystrophy 5 (SRTD5). Also called: SHORT-RIB THORACIC DYSPLASIA 5 WITH OR WITHOUT POLYDACTYLY; SHORT-RIB THORACIC DYSPLASIA 5 WITHOUT POLYDACTYLY. Identifiers: Orphanet 474, MedGen C3280598, MONDO:0013717, OMIM 614376.
Senior-Loken syndrome 8 (SLSN8). Identifiers: Orphanet 3156, MedGen C4225376, MONDO:0014579, OMIM 616307.

Submission:

Labcorp Genetics (formerly Invitae), Labcorp
Classification: Uncertain significance for Senior-Loken syndrome 8; Asphyxiating thoracic dystrophy 5. Last evaluated: 2022-03-11. Review status: criteria provided, single submitter. Criteria: Invitae Variant Classification Sherloc (09022015). Collection method: clinical testing. Allele origin: germline.
Comment: In summary, the available evidence is currently insufficient to determine the role of this variant in disease. Therefore, it has been classified as a Variant of Uncertain Significance. Algorithms developed to predict the effect of missense changes on protein structure and function (SIFT, PolyPhen-2, Align-GVGD) all suggest that this variant is likely to be tolerated. This variant has not been reported in the literature in individuals affected with WDR19-related conditions. This variant is not present in population databases (gnomAD no frequency). This sequence change replaces leucine, which is neutral and non-polar, with phenylalanine, which is neutral and non-polar, at codon 1015 of the WDR19 protein (p.Leu1015Phe).

NM_025132.4(WDR19):c.3045A>T (p.Leu1015Phe)

Gene: WDR19 (WD repeat domain 19; plus strand). Cytogenetic location: 4p14.
Variant type: single nucleotide variant.
Coding change: c.3045A>T on transcript NM_025132.4 (MANE Select); coding-DNA position 3045, A replaced by T.
Protein change: p.Leu1015Phe; replaces leucine 1015 with phenylalanine.
Molecular consequence: missense variant.
Genome position (GRCh38, 1-based): chr4:39,255,891, A>T. VCF-style: chr4-39255891-A-T. GRCh37 (hg19) VCF-style: chr4-39257511-A-T.
Other names: c.2565A>T, p.Leu855Phe (NM_001317924.2); short protein forms L855F, L1015F.
Identifiers: ClinVar variation 2109154 (VCV002109154.4), dbSNP rs2475328328, ClinGen allele CA356642106.